The following is an entry in ClinVar:

ClinVar aggregate classification (germline): Uncertain significance (1 of 4 stars; one submission).

Allele frequency attached by ClinVar (database versions not stated): gnomAD 0.00001.
gnomAD v4.1: 12 of 1,604,918 alleles (0.00075%); highest among the groups gnomAD compares: African/African-American, 0.0013%; no homozygotes.

Submission:

Labcorp Genetics (formerly Invitae), Labcorp
Classification: Uncertain significance. Last evaluated: 2025-05-07. Review status: criteria provided, single submitter. Criteria: Invitae Variant Classification Sherloc (09022015). Collection method: clinical testing. Allele origin: germline.
Comment: This sequence change replaces serine, which is neutral and polar, with threonine, which is neutral and polar, at codon 2856 of the DCHS1 protein (p.Ser2856Thr). This variant is present in population databases (no rsID available, gnomAD 0.001%). This variant has not been reported in the literature in individuals affected with DCHS1-related conditions. ClinVar contains an entry for this variant (Variation ID: 2187413). Invitae Evidence Modeling of protein sequence and biophysical properties (such as structural, functional, and spatial information, amino acid conservation, physicochemical variation, residue mobility, and thermodynamic stability) indicates that this missense variant is expected to disrupt DCHS1 protein function with a positive predictive value of 80%. In summary, the available evidence is currently insufficient to determine the role of this variant in disease. Therefore, it has been classified as a Variant of Uncertain Significance.

NM_003737.4(DCHS1):c.8566T>A (p.Ser2856Thr)

Gene: DCHS1 (dachsous cadherin-related 1; minus strand). Cytogenetic location: 11p15.4.
Variant type: single nucleotide variant.
Coding change: c.8566T>A on transcript NM_003737.4 (MANE Select); coding-DNA position 8566, T replaced by A.
Protein change: p.Ser2856Thr; replaces serine 2856 with threonine.
Molecular consequence: missense variant.
Genome position (GRCh38, 1-based): chr11:6,623,110, A>T on the plus strand (T>A on the coding strand, the complement: DCHS1 is on the minus strand). VCF-style: chr11-6623110-A-T. GRCh37 (hg19) VCF-style: chr11-6644341-A-T.
Other names: short protein forms S2856T.
Identifiers: ClinVar variation 2187413 (VCV002187413.4), dbSNP rs1263277173, ClinGen allele CA379480758.